The following is an entry in ClinVar:

NM_000222.3(KIT):c.1359T>C (p.Ser453=)

Gene: KIT (KIT proto-oncogene, receptor tyrosine kinase; plus strand). Cytogenetic location: 4q12.
Variant type: single nucleotide variant.
Coding change: c.1359T>C on transcript NM_000222.3 (MANE Select); coding-DNA position 1359, T replaced by C.
Protein change: p.Ser453=; no amino-acid change (serine 453 retained).
Molecular consequence: synonymous variant.
Genome position (GRCh38, 1-based): chr4:54,725,869, T>C. VCF-style: chr4-54725869-T-C. GRCh37 (hg19) VCF-style: chr4-55592035-T-C.
Other names: c.1359T>C, p.Ser453= (NM_001093772.2, NM_001385285.1, NM_001385286.1); c.1362T>C, p.Ser454= (NM_001385284.1, NM_001385288.1, NM_001385290.1 and 1 more transcripts).
Identifiers: ClinVar variation 1162075 (VCV001162075.12), dbSNP rs769828541, ClinGen allele CA439290319.

ClinVar aggregate classification (germline): Benign/Likely benign. Review status: criteria provided, multiple submitters, no conflicts (2 of 4 stars). 3 submissions from 3 submitters: Benign (1); Likely benign (2). Last evaluated 2026-06-03.

Conditions:
Gastrointestinal stromal tumor. Also called: Gastrointestinal stroma tumor; Gastrointestinal stromal tumor, somatic. Identifiers: Orphanet 44890, MedGen C0238198, MeSH D046152, MONDO:0011719, OMIM 606764, HP:0100723.
Hereditary cancer-predisposing syndrome. Also called: Tumor predisposition; Hereditary Cancer Syndrome; Hereditary neoplastic syndrome; Neoplastic Syndromes, Hereditary. Identifiers: Orphanet 140162, MedGen C0027672, MeSH D009386, MONDO:0015356.

Submissions (3):

Myriad Genetics, Inc.
Classification: Benign for Gastrointestinal stromal tumor. Last evaluated: 2026-06-03. Review status: criteria provided, single submitter. Criteria: Myriad Autosomal Dominant, Autosomal Recessive and X-Linked Classification Criteria (2023). Collection method: clinical testing. Allele origin: unknown.
Comment: This variant is considered benign. This variant is a silent/synonymous amino acid change and it is not expected to impact splicing.

Labcorp Genetics (formerly Invitae), Labcorp
Classification: Likely benign for Gastrointestinal stromal tumor. Last evaluated: 2024-04-10. Review status: criteria provided, single submitter. Criteria: Invitae Variant Classification Sherloc (09022015). Collection method: clinical testing. Allele origin: germline.

Ambry Genetics
Classification: Likely benign for Hereditary cancer-predisposing syndrome. Last evaluated: 2020-08-13. Review status: criteria provided, single submitter. Criteria: Ambry Variant Classification Scheme 2023. Collection method: clinical testing. Allele origin: germline.